The following is an entry in ClinVar:

ClinVar aggregate classification (germline): Benign/Likely benign. Review status: criteria provided, multiple submitters, no conflicts (2 of 4 stars). 5 submissions from 5 submitters: Benign (1); Likely benign (3). 1 of the submissions does not count toward it. Last evaluated 2025-06-23.

Conditions:
CACNA1A-related disorder. Also called: CACNA1A-related condition.
Episodic ataxia type 2 (EA2). Also called: ATAXIA, EPISODIC, WITH NYSTAGMUS; ATAXIA, FAMILIAL PAROXYSMAL; CEREBELLAR ATAXIA, PAROXYSMAL, ACETAZOLAMIDE-RESPONSIVE; CEREBELLOPATHY, HEREDITARY PAROXYSMAL; ACETAZOLAMIDE-RESPONSIVE HEREDITARY PAROXYSMAL CEREBELLAR ATAXIA; EPISODIC ATAXIA, NYSTAGMUS-ASSOCIATED. Identifiers: Orphanet 97, MedGen C1720416, MONDO:0007163, OMIM 108500.
Developmental and epileptic encephalopathy, 42 (DEE42A). Also called: Epileptic encephalopathy, early infantile, 42; EPILEPTIC ENCEPHALOPATHY, EARLY INFANTILE, 42A; DEVELOPMENTAL AND EPILEPTIC ENCEPHALOPATHY 42A. Identifiers: MedGen C4310716, MONDO:0014917, OMIM 617106.
Inborn genetic diseases. Identifiers: MedGen C0950123, MeSH D030342.

Allele frequency attached by ClinVar (database versions not stated): gnomAD exomes 0.00004 and 0.00009; TOPMed 0.00013; gnomAD 0.00014 and 0.00015; ESP Exome Variant Server 0.00016; ExAC 0.00021; 1000 Genomes Project 0.00040; 1000 Genomes Project 30x 0.00047.
gnomAD v4.1: 75 of 1,590,130 alleles (0.0047%); highest among the groups gnomAD compares: African/African-American, 0.06%; no homozygotes.

Submissions (5):

Labcorp Genetics (formerly Invitae), Labcorp
Classification: Likely benign for Developmental and epileptic encephalopathy, 42; Episodic ataxia type 2. Last evaluated: 2025-06-23. Review status: criteria provided, single submitter. Criteria: Invitae Variant Classification Sherloc (09022015). Collection method: clinical testing. Allele origin: germline.

ARUP Laboratories, Molecular Genetics and Genomics, ARUP Laboratories
Classification: Benign. Last evaluated: 2024-06-28. Review status: criteria provided, single submitter. Criteria: ARUP Molecular Germline Variant Investigation Process 2024. Collection method: clinical testing. Allele origin: germline.

GeneDx
Classification: Likely benign. Last evaluated: 2020-04-07. Review status: criteria provided, single submitter. Criteria: GeneDx Variant Classification Process June 2021. Collection method: clinical testing. Allele origin: germline. Affected: yes.

Ambry Genetics
Classification: Likely benign for Inborn genetic diseases. Last evaluated: 2018-08-29. Review status: criteria provided, single submitter. Criteria: Ambry Variant Classification Scheme 2023. Collection method: clinical testing. Allele origin: germline.

PreventionGenetics, part of Exact Sciences
Classification: Likely benign for CACNA1A-related condition. Last evaluated: 2019-11-14. Review status: no assertion criteria provided. Collection method: clinical testing. Allele origin: germline. Not counted in ClinVar's aggregate classification.
Comment: This variant is classified as likely benign based on ACMG/AMP sequence variant interpretation guidelines (Richards et al. 2015 PMID: 25741868, with internal and published modifications).

NM_001127222.2(CACNA1A):c.6084G>A (p.Pro2028=)

Gene: CACNA1A (calcium voltage-gated channel subunit alpha1 A; minus strand). Cytogenetic location: 19p13.13.
Variant type: single nucleotide variant.
Coding change: c.6084G>A on transcript NM_001127222.2 (MANE Select); coding-DNA position 6084, G replaced by A.
Protein change: p.Pro2028=; no amino-acid change (proline 2028 retained).
Molecular consequence: synonymous variant.
Genome position (GRCh38, 1-based): chr19:13,212,489, C>T on the plus strand (G>A on the coding strand, the complement: CACNA1A is on the minus strand). VCF-style: chr19-13212489-C-T. GRCh37 (hg19) VCF-style: chr19-13323303-C-T.
Other names: c.6102G>A, p.Pro2034= (NM_000068.4, NM_023035.3); c.6087G>A, p.Pro2029= (NM_001127221.2); c.6093G>A, p.Pro2031= (NM_001174080.2); c.6084G>A (NM_001127222.1).
Identifiers: ClinVar variation 770058 (VCV000770058.19), dbSNP rs374954726, ClinGen allele CA9239475.
Genomic context (GRCh38, chr19:13,212,489, plus strand): 5'-TTCCGGACTCCATGTGCCCGTCTTCTGGAACATCTCCTGGGCACGCTGGGTCACCCAGGA[C>T]GGGCTCTCCTTGAGGCCGCTTTCGTGAGCCATCCTGCATGGGGGACAGAGGCCGGGGTAG-3'
Protein context (NP_001120694.1, residues 2018-2038): MAHESGLKES[Pro2028=]SWVTQRAQEM